The following is an entry in ClinVar:

NM_001100.4(ACTA1):c.557A>G (p.Asp186Gly)

Gene: ACTA1 (actin alpha 1, skeletal muscle; minus strand). Cytogenetic location: 1q42.13.
Variant type: single nucleotide variant.
Coding change: c.557A>G on transcript NM_001100.4 (MANE Select); coding-DNA position 557, A replaced by G.
Protein change: p.Asp186Gly; replaces aspartic acid 186 with glycine.
Molecular consequence: missense variant.
Genome position (GRCh38, 1-based): chr1:229,432,329, T>C on the plus strand (A>G on the coding strand, the complement: ACTA1 is on the minus strand). VCF-style: chr1-229432329-T-C. GRCh37 (hg19) VCF-style: chr1-229568076-T-C.
Other names: short protein forms D186G.
Identifiers: ClinVar variation 644740 (VCV000644740.9), dbSNP rs1571893319, ClinGen allele CA345148273.

ClinVar aggregate classification (germline): Pathogenic (1 of 4 stars; one submission).

Conditions:
Actin accumulation myopathy (CMYO2A). Also called: Nemaline myopathy type 3; Myopathy, actin, congenital, with excess of thin myofilaments; CONGENITAL MYOPATHY 2A, TYPICAL, AUTOSOMAL DOMINANT; Myopathy, actin, congenital, with cores; Nemaline myopathy 3, with intranuclear rods. Identifiers: Orphanet 98904, MedGen C3711389, MONDO:0008070, OMIM 161800.

Submission:

Labcorp Genetics (formerly Invitae), Labcorp
Classification: Pathogenic for Actin accumulation myopathy. Last evaluated: 2021-12-21. Review status: criteria provided, single submitter. Criteria: Invitae Variant Classification Sherloc (09022015). Collection method: clinical testing. Allele origin: germline.
Comment: This sequence change replaces aspartic acid, which is acidic and polar, with glycine, which is neutral and non-polar, at codon 186 of the ACTA1 protein (p.Asp186Gly). This variant is not present in population databases (gnomAD no frequency). This missense change has been observed in individual(s) with features of nemaline myopathy (PMID: 23305948; Invitae). In at least one individual the variant was observed to be de novo. ClinVar contains an entry for this variant (Variation ID: 644740). Advanced modeling of protein sequence and biophysical properties (such as structural, functional, and spatial information, amino acid conservation, physicochemical variation, residue mobility, and thermodynamic stability) performed at Invitae indicates that this missense variant is expected to disrupt ACTA1 protein function. This variant disrupts the p.Asp186 amino acid residue in ACTA1. Other variant(s) that disrupt this residue have been observed in individuals with ACTA1-related conditions (PMID: 27074222), which suggests that this may be a clinically significant amino acid residue. For these reasons, this variant has been classified as Pathogenic.

Literature cited by the submitters: PubMed 23305948; PubMed 27074222.